The following is an entry in ClinVar:

NM_000278.5(PAX2):c.102C>T (p.Pro34=)

Gene: PAX2 (paired box 2; plus strand). Cytogenetic location: 10q24.31.
Variant type: single nucleotide variant.
Coding change: c.102C>T on transcript NM_000278.5 (MANE Select); coding-DNA position 102, C replaced by T.
Protein change: p.Pro34=; no amino-acid change (proline 34 retained).
Molecular consequence: synonymous variant.
Genome position (GRCh38, 1-based): chr10:100,749,804, C>T. VCF-style: chr10-100749804-C-T. GRCh37 (hg19) VCF-style: chr10-102509561-C-T.
Other names: c.195C>T, p.Pro65= (NM_001304569.2); c.102C>T, p.Pro34= (NM_003987.5, NM_003988.5, NM_003989.5 and 1 more transcripts); c.102C>T (NM_003990.4).
Identifiers: ClinVar variation 2159251 (VCV002159251.5), dbSNP rs201381234, ClinGen allele CA5650649.

ClinVar aggregate classification (germline): Likely benign. Review status: criteria provided, multiple submitters, no conflicts (2 of 4 stars). 2 submissions from 2 submitters: Likely benign (2). Last evaluated 2026-09-25.

Conditions:
PAX2-Related Disorder. Also called: PAX2-related disorders. Identifiers: MedGen CN381309.
Focal segmental glomerulosclerosis 7 (FSGS7). Identifiers: Orphanet 656, MedGen C4014925, MONDO:0014451, OMIM 616002.
Renal coloboma syndrome (PAPRS). Also called: PAPILLORENAL SYNDROME; PAPILLORENAL SYNDROME WITH MILD OCULAR ABNORMALITIES; CONGENITAL ANOMALIES OF THE KIDNEY AND URINARY TRACT WITH OR WITHOUT OCULAR ABNORMALITIES; CAKUT WITH OR WITHOUT OCULAR ABNORMALITIES; COLOBOMA OF OPTIC NERVE WITH RENAL DISEASE; OPTIC COLOBOMA, VESICOURETERAL REFLUX, AND RENAL ANOMALIES. Identifiers: Orphanet 1475, MedGen C1852759, MONDO:0007352, OMIM 120330.

Allele frequency attached by ClinVar (database versions not stated): gnomAD 0.00004; TOPMed 0.00005; ExAC 0.00012; 1000 Genomes Project 0.00020; 1000 Genomes Project 30x 0.00031.
gnomAD v4.1: 25 of 1,611,804 alleles (0.0016%); highest among the groups gnomAD compares: Admixed American, 0.013%; no homozygotes.

Submissions (2):

PreventionGenetics, part of Exact Sciences
Classification: Likely benign for PAX2-related condition. Last evaluated: 2026-09-25. Review status: criteria provided, single submitter. Criteria: ACMG Guidelines, 2015. Collection method: clinical testing. Allele origin: germline.
Comment: This variant is classified as likely benign based on ACMG/AMP sequence variant interpretation guidelines (Richards et al. 2015 PMID: 25741868, with internal and published modifications).

Labcorp Genetics (formerly Invitae), Labcorp
Classification: Likely benign for Renal coloboma syndrome; Focal segmental glomerulosclerosis 7. Last evaluated: 2024-07-30. Review status: criteria provided, single submitter. Criteria: Invitae Variant Classification Sherloc (09022015). Collection method: clinical testing. Allele origin: germline.